The following is an entry in ClinVar:

ClinVar aggregate classification (germline): Pathogenic/Likely pathogenic. Review status: criteria provided, multiple submitters, no conflicts (2 of 4 stars). 2 submissions from 2 submitters: Pathogenic (1); Likely pathogenic (1). Last evaluated 2025-08-21.

Conditions:
Focal segmental glomerulosclerosis 5 (FSGS5). Identifiers: Orphanet 656, MedGen C2750475, MONDO:0013191, OMIM 613237.
Charcot-Marie-Tooth disease dominant intermediate E. Also called: CHARCOT-MARIE-TOOTH NEUROPATHY WITH FOCAL SEGMENTAL GLOMERULONEPHRITIS. Identifiers: Orphanet 93114, MedGen C4302667, MONDO:0013758, OMIM 614455.

Submissions (2):

Labcorp Genetics (formerly Invitae), Labcorp
Classification: Pathogenic for Charcot-Marie-Tooth disease dominant intermediate E; Focal segmental glomerulosclerosis 5. Last evaluated: 2025-08-21. Review status: criteria provided, single submitter. Criteria: Invitae Variant Classification Sherloc (09022015). Collection method: clinical testing. Allele origin: germline.
Comment: This sequence change replaces glycine, which is neutral and non-polar, with aspartic acid, which is acidic and polar, at codon 73 of the INF2 protein (p.Gly73Asp). This variant is not present in population databases (gnomAD no frequency). This missense change has been observed in individual(s) with clinical features of INF2-related conditions (PMID: 37491439; internal data). In at least one individual the variant was observed to be de novo. ClinVar contains an entry for this variant (Variation ID: 1999164). Invitae Evidence Modeling of protein sequence and biophysical properties (such as structural, functional, and spatial information, amino acid conservation, physicochemical variation, residue mobility, and thermodynamic stability) indicates that this missense variant is expected to disrupt INF2 protein function with a positive predictive value of 95%. Experimental studies have shown that this missense change affects INF2 function (PMID: 37491439). This variant disrupts the p.Gly73 amino acid residue in INF2. Other variant(s) that disrupt this residue have been determined to be pathogenic (PMID: 31937884; internal data). This suggests that this residue is clinically significant, and that variants that disrupt this residue are likely to be disease-causing. For these reasons, this variant has been classified as Pathogenic.

Institute of Medical Genetics and Applied Genomics, University Hospital Tübingen
Classification: Likely pathogenic for Charcot-Marie-Tooth disease dominant intermediate E. Last evaluated: 2025-03-25. Review status: criteria provided, single submitter. Criteria: ACMG Guidelines, 2015. Collection method: clinical testing. Allele origin: germline. Inheritance: Autosomal dominant inheritance. Affected: yes.

Literature cited by the submitters: PubMed 37491439 (cited by Labcorp Genetics (formerly Invitae), Labcorp); PubMed 31937884 (cited by Labcorp Genetics (formerly Invitae), Labcorp).

NM_022489.4(INF2):c.218G>A (p.Gly73Asp)

Gene: INF2 (inverted formin 2; plus strand). Cytogenetic location: 14q32.33.
Variant type: single nucleotide variant.
Coding change: c.218G>A on transcript NM_022489.4 (MANE Select); coding-DNA position 218, G replaced by A.
Protein change: p.Gly73Asp; replaces glycine 73 with aspartic acid.
Molecular consequence: missense variant.
Genome position (GRCh38, 1-based): chr14:104,701,583, G>A. VCF-style: chr14-104701583-G-A. GRCh37 (hg19) VCF-style: chr14-105167920-G-A.
Other names: c.218G>A, p.Gly73Asp (NM_001031714.4, NM_032714.3); short protein forms G73D.
Identifiers: ClinVar variation 1999164 (VCV001999164.5), dbSNP rs918089359, ClinGen allele CA391225524.